The following is an entry in ClinVar:

ClinVar aggregate classification (germline): Uncertain significance (1 of 4 stars; one submission).

Conditions:
Familial cancer of breast. Also called: Hereditary breast cancer; BREAST CANCER, FAMILIAL; hereditary breast carcinoma. Identifiers: Orphanet 227535, MedGen C0346153, MONDO:0016419, OMIM 114480. Disease mechanism: loss of function.

Submission:

Labcorp Genetics (formerly Invitae), Labcorp
Classification: Uncertain significance for Familial cancer of breast. Last evaluated: 2020-08-20. Review status: criteria provided, single submitter. Criteria: Invitae Variant Classification Sherloc (09022015). Collection method: clinical testing. Allele origin: germline.
Comment: This sequence change replaces asparagine with lysine at codon 450 of the BARD1 protein (p.Asn450Lys). The asparagine residue is moderately conserved and there is a moderate physicochemical difference between asparagine and lysine. This variant is not present in population databases (ExAC no frequency). This variant has not been reported in the literature in individuals with BARD1-related conditions. Algorithms developed to predict the effect of missense changes on protein structure and function (SIFT, PolyPhen-2, Align-GVGD) all suggest that this variant is likely to be tolerated, but these predictions have not been confirmed by published functional studies and their clinical significance is uncertain. Algorithms developed to predict the effect of sequence changes on RNA splicing suggest that this variant may create or strengthen a splice site, but this prediction has not been confirmed by published transcriptional studies. In summary, the available evidence is currently insufficient to determine the role of this variant in disease. Therefore, it has been classified as a Variant of Uncertain Significance.

NM_000465.4(BARD1):c.1350T>A (p.Asn450Lys)

Gene: BARD1 (BRCA1 associated RING domain 1; minus strand). Cytogenetic location: 2q35.
Variant type: single nucleotide variant.
Coding change: c.1350T>A on transcript NM_000465.4 (MANE Select); coding-DNA position 1350, T replaced by A.
Protein change: p.Asn450Lys; replaces asparagine 450 with lysine.
Molecular consequence: missense variant. On other transcripts: non-coding transcript variant (3), intron variant (3).
Genome position (GRCh38, 1-based): chr2:214,769,277, A>T on the plus strand (T>A on the coding strand, the complement: BARD1 is on the minus strand). VCF-style: chr2-214769277-A-T. GRCh37 (hg19) VCF-style: chr2-215634001-A-T.
Other names: c.1293T>A, p.Asn431Lys (NM_001282543.2); c.159-16722T>A (NM_001282548.2); c.216-16722T>A (NM_001282545.2); c.364+23020T>A (NM_001282549.2); short protein forms N431K, N450K.
Identifiers: ClinVar variation 1035621 (VCV001035621.9), dbSNP rs876660753, ClinGen allele CA350450374.